The following is an entry in ClinVar:

ClinVar aggregate classification (germline): Uncertain significance (1 of 4 stars; one submission).

Conditions:
Familial thoracic aortic aneurysm and aortic dissection (TAAD). Also called: Thoracic aortic aneurysms and dissections. Identifiers: Orphanet 91387, MedGen C4707243, MONDO:0019625.

Submission:

Ambry Genetics
Classification: Uncertain significance for Familial thoracic aortic aneurysm and aortic dissection. Last evaluated: 2025-03-31. Review status: criteria provided, single submitter. Criteria: Ambry Variant Classification Scheme 2023. Collection method: clinical testing. Allele origin: germline.
Comment: The p.A2101T variant (also known as c.6301G>A), located in coding exon 34 of the NOTCH1 gene, results from a G to A substitution at nucleotide position 6301. The alanine at codon 2101 is replaced by threonine, an amino acid with similar properties. This amino acid position is conserved. In addition, this alteration is predicted to be deleterious by in silico analysis. Based on the available evidence, the clinical significance of this variant remains unclear.

NM_017617.5(NOTCH1):c.6301G>A (p.Ala2101Thr)

Gene: NOTCH1 (notch receptor 1; minus strand). Cytogenetic location: 9q34.3.
Variant type: single nucleotide variant.
Coding change: c.6301G>A on transcript NM_017617.5 (MANE Select); coding-DNA position 6301, G replaced by A.
Protein change: p.Ala2101Thr; replaces alanine 2101 with threonine.
Molecular consequence: missense variant.
Genome position (GRCh38, 1-based): chr9:136,497,438, C>T on the plus strand (G>A on the coding strand, the complement: NOTCH1 is on the minus strand). VCF-style: chr9-136497438-C-T. GRCh37 (hg19) VCF-style: chr9-139391890-C-T.
Other names: short protein forms A2101T.
Identifiers: ClinVar variation 2314618 (VCV002314618.3), dbSNP rs2133319151, ClinGen allele CA375632035.